The following is an entry in ClinVar:

ClinVar aggregate classification (germline): Pathogenic (1 of 4 stars; one submission).

Conditions:
Glycogen storage disease IXb (GSD9B). Also called: GLYCOGENOSIS OF LIVER AND MUSCLE, AUTOSOMAL RECESSIVE; GSD IXb; PHOSPHORYLASE KINASE DEFICIENCY OF LIVER AND MUSCLE, AUTOSOMAL RECESSIVE. Identifiers: Orphanet 79240, MedGen C0543514, MONDO:0009868, OMIM 261750.

Submission:

Labcorp Genetics (formerly Invitae), Labcorp
Classification: Pathogenic for Glycogen storage disease IXb. Last evaluated: 2024-01-18. Review status: criteria provided, single submitter. Criteria: Invitae Variant Classification Sherloc (09022015). Collection method: clinical testing. Allele origin: germline.
Comment: This sequence change creates a premature translational stop signal (p.Leu442Phefs*32) in the PHKB gene. It is expected to result in an absent or disrupted protein product. Loss-of-function variants in PHKB are known to be pathogenic (PMID: 9215682, 9326319). This variant is not present in population databases (gnomAD no frequency). This variant has not been reported in the literature in individuals affected with PHKB-related conditions. For these reasons, this variant has been classified as Pathogenic.

Literature cited by the submitters: PubMed 9215682; PubMed 9326319.

NM_000293.3(PHKB):c.1320del (p.Leu442fs)

Gene: PHKB (phosphorylase kinase regulatory subunit beta; plus strand). Cytogenetic location: 16q12.1.
Variant type: Deletion.
Coding change: c.1320del on transcript NM_000293.3 (MANE Select); coding-DNA position 1320, one base deleted (G; older notation c.1320delG).
Protein change: p.Leu442fs; shifts the reading frame from leucine 442.
Molecular consequence: frameshift variant.
Genome position (GRCh38, 1-based): chr16:47,596,488, G deleted. VCF-style (leftmost placement, unchanged base first): chr16-47596487-TG-T. GRCh37 (hg19) VCF-style: chr16-47630398-TG-T.
Other names: c.1299del, p.Leu435fs (NM_001031835.3); c.1320del, p.Leu442fs (NM_001363837.1); short protein forms L442fs, L435fs.
Identifiers: ClinVar variation 2709953 (VCV002709953.3), dbSNP rs2506402593, ClinGen allele CA2697555814.